The following is an entry in ClinVar:

NM_000179.3(MSH6):c.3851_3872dup (p.Lys1291delinsAsnValProLeuTer)

Gene: MSH6 (mutS homolog 6; plus strand). Cytogenetic location: 2p16.3.
Variant type: Duplication.
Coding change: c.3851_3872dup on transcript NM_000179.3 (MANE Select); coding-DNA positions 3851 to 3872, 22 bases duplicated (CGTTCCTCTATAAATTCATTAA).
Protein change: p.Lys1291delinsAsnValProLeuTer.
Molecular consequence: nonsense.
Genome position (GRCh38, 1-based): chr2:47,806,501-47,806,522, CGTTCCTCTATAAATTCATTAA duplicated; duplicating any 22 consecutive bases within chr2:47,806,500-47,806,522 gives the same sequence; the c. name uses the placement nearest the transcript's 3' end. VCF-style (leftmost placement, unchanged base first): chr2-47806499-T-TACGTTCCTCTATAAATTCATTA. GRCh37 (hg19) VCF-style: chr2-48033638-T-TACGTTCCTCTATAAATTCATTA.
Other names: c.3461_3482dup, p.Lys1161delinsAsnValProLeuTer (NM_001281492.2); c.2945_2966dup, p.Lys989delinsAsnValProLeuTer (NM_001281493.2, NM_001281494.2); c.3851_3872dupCGTTCCTCTATAAATTCATTAA (NM_000179.2).
Identifiers: ClinVar variation 428436 (VCV000428436.5), dbSNP rs1553333435, ClinGen allele CA645369294.
Genomic context (GRCh38, chr2:47,806,499, plus strand): 5'-TTTCTTTCTTAAGGCATGCATGGTAGAAAATGAATGTGAAGACCCCAGCCAGGAGACTAT[T>TACGTTCCTCTATAAATTCATTA]ACGTTCCTCTATAAATTCATTAAGGGAGCTTGTCCTAAAAGCTATGGCTTTAATGCAGCA-3'

ClinVar aggregate classification (germline): Pathogenic (1 of 4 stars; one submission).

Conditions:
Hereditary cancer-predisposing syndrome. Also called: Hereditary Cancer Syndrome; Neoplastic Syndromes, Hereditary; Hereditary neoplastic syndrome; Tumor predisposition. Identifiers: Orphanet 140162, MedGen C0027672, MeSH D009386, MONDO:0015356.

Submission:

Ambry Genetics
Classification: Pathogenic for Hereditary cancer-predisposing syndrome. Last evaluated: 2016-08-08. Review status: criteria provided, single submitter. Criteria: Ambry Variant Classification Scheme 2023. Collection method: clinical testing. Allele origin: germline.
Comment: The c.3851_3872dup22 variant, located in coding exon 9 of the MSH6 gene, results from a duplication of CGTTCCTCTATAAATTCATTAA at nucleotide position 3851, causing a translational frameshift with a predicted alternate stop codon. This alteration is expected to result in loss of function by premature protein truncation or nonsense-mediated mRNA decay. As such, this alteration is interpreted as a disease-causing mutation.